The following is an entry in ClinVar:

ClinVar aggregate classification (germline): Uncertain significance (1 of 4 stars; one submission).

Conditions:
Myofibrillar myopathy 3 (MFM3). Also called: Muscular dystrophy, proximal, type 1A; Autosomal dominant spheroid body myopathy. Identifiers: Orphanet 266, Orphanet 268129, MedGen C3714934, MONDO:0012215, OMIM 609200.

Allele frequency attached by ClinVar (database versions not stated): TOPMed 0.00001.

Submission:

Labcorp Genetics (formerly Invitae), Labcorp
Classification: Uncertain significance for Myofibrillar myopathy 3. Last evaluated: 2021-12-20. Review status: criteria provided, single submitter. Criteria: Invitae Variant Classification Sherloc (09022015). Collection method: clinical testing. Allele origin: germline.
Comment: In summary, the available evidence is currently insufficient to determine the role of this variant in disease. Therefore, it has been classified as a Variant of Uncertain Significance. Algorithms developed to predict the effect of missense changes on protein structure and function (SIFT, PolyPhen-2, Align-GVGD) all suggest that this variant is likely to be tolerated. This variant has not been reported in the literature in individuals affected with MYOT-related conditions. This variant is not present in population databases (gnomAD no frequency). This sequence change replaces isoleucine, which is neutral and non-polar, with valine, which is neutral and non-polar, at codon 40 of the MYOT protein (p.Ile40Val).

NM_006790.3(MYOT):c.118A>G (p.Ile40Val)

Genes: MYOT (myotilin; plus strand), PKD2L2-DT (PKD2L2 divergent transcript; minus strand). Cytogenetic location: 5q31.2.
Variant type: single nucleotide variant.
Coding change: c.118A>G on transcript NM_006790.3 (MANE Select); coding-DNA position 118, A replaced by G.
Protein change: p.Ile40Val; replaces isoleucine 40 with valine.
Molecular consequence: missense variant. On other transcripts: intron variant (2).
Genome position (GRCh38, 1-based): chr5:137,870,769, A>G. VCF-style: chr5-137870769-A-G. GRCh37 (hg19) VCF-style: chr5-137206458-A-G.
Other names: c.-120-108A>G (NM_001300911.2); c.-197+244A>G (NM_001135940.2); short protein forms I40V.
Identifiers: ClinVar variation 2153910 (VCV002153910.4), dbSNP rs889683833, ClinGen allele CA128097319.